The following is an entry in ClinVar:

NM_014244.5(ADAMTS2):c.770C>A (p.Ala257Glu)

Gene: ADAMTS2 (ADAM metallopeptidase with thrombospondin type 1 motif 2; minus strand). Cytogenetic location: 5q35.3.
Variant type: single nucleotide variant.
Coding change: c.770C>A on transcript NM_014244.5 (MANE Select); coding-DNA position 770, C replaced by A.
Protein change: p.Ala257Glu; replaces alanine 257 with glutamic acid.
Molecular consequence: missense variant.
Genome position (GRCh38, 1-based): chr5:179,207,634, G>T on the plus strand (C>A on the coding strand, the complement: ADAMTS2 is on the minus strand). VCF-style: chr5-179207634-G-T. GRCh37 (hg19) VCF-style: chr5-178634635-G-T.
Other names: c.770C>A (NM_014244.4); c.770C>A, p.Ala257Glu (NM_021599.4); short protein forms A257E.
Identifiers: ClinVar variation 1113792 (VCV001113792.14), dbSNP rs370679548, ClinGen allele CA3596166.

ClinVar aggregate classification (germline): Conflicting classifications of pathogenicity. Review status: criteria provided, conflicting classifications (1 of 4 stars). 4 submissions from 4 submitters: Uncertain significance (2); Likely benign (1). 1 of the submissions does not count toward it. Last evaluated 2026-04-13.

Conditions:
Inborn genetic diseases. Identifiers: MedGen C0950123, MeSH D030342.
Ehlers-Danlos syndrome, dermatosparaxis type. Also called: EDS VIIC; Dermatosparaxis; Ehlers-Danlos syndrome, type VII, autosomal recessive. Identifiers: Orphanet 1901, MedGen C2700425, MONDO:0009161, OMIM 225410.

Allele frequency attached by ClinVar (database versions not stated): ExAC 0.00007; gnomAD exomes 0.00007; gnomAD 0.00021 and 0.00026; ESP Exome Variant Server 0.00023.
gnomAD v4.1: 58 of 1,613,662 alleles (0.0036%); highest among the groups gnomAD compares: African/African-American, 0.071%; no homozygotes.

Submissions (4):

Women's Health and Genetics/Laboratory Corporation of America, LabCorp
Classification: Uncertain significance. Last evaluated: 2026-04-13. Review status: criteria provided, single submitter. Criteria: LabCorp Variant Classification Summary - May 2015. Collection method: clinical testing. Allele origin: germline.
Comment: Variant summary: ADAMTS2 c.770C>A (p.Ala257Glu) results in a non-conservative amino acid change in the encoded protein sequence. Algorithms developed to predict the effect of missense changes on protein structure and function are either unavailable or do not agree on the potential impact of this missense change. The variant allele was found at a frequency of 6.8e-05 in 251360 control chromosomes, predominantly at a frequency of 0.001 within the African or African-American subpopulation in the gnomAD database, including 1 homozygote. This frequency is not higher than estimated for disease-causing variants in ADAMTS2, allowing no conclusion about variant significance. To our knowledge, no occurrence of c.770C>A in individuals affected with ADAMTS2-related conditions and no experimental evidence demonstrating its impact on protein function have been reported. ClinVar contains an entry for this variant (Variation ID: 1113792). Based on the evidence outlined above, the variant was classified as uncertain significance.

Labcorp Genetics (formerly Invitae), Labcorp
Classification: Likely benign for Ehlers-Danlos syndrome, dermatosparaxis type. Last evaluated: 2025-12-31. Review status: criteria provided, single submitter. Criteria: Invitae Variant Classification Sherloc (09022015). Collection method: clinical testing. Allele origin: germline.

Ambry Genetics
Classification: Uncertain significance for Inborn genetic diseases. Last evaluated: 2025-03-26. Review status: criteria provided, single submitter. Criteria: Ambry Variant Classification Scheme 2023. Collection method: clinical testing. Allele origin: germline.

Natera, Inc.
Classification: Benign for Ehlers-Danlos syndrome type VIIC. Last evaluated: 2019-10-22. Review status: no assertion criteria provided. Collection method: clinical testing. Allele origin: germline. Not counted in ClinVar's aggregate classification.